The following is an entry in ClinVar:

ClinVar aggregate classification (germline): Uncertain significance (1 of 4 stars; one submission).

Conditions:
Adenylosuccinate lyase deficiency (ADSLD). Also called: ADSL DEFICIENCY. Identifiers: Orphanet 46, MedGen C0268126, MONDO:0007068, OMIM 103050.

Allele frequency attached by ClinVar (database versions not stated): gnomAD exomes below 0.00001; TOPMed below 0.00001.
gnomAD v4.1: 2 of 1,593,266 alleles (0.00013%); highest among the groups gnomAD compares: South Asian, 0.0023%; no homozygotes.

Submission:

Labcorp Genetics (formerly Invitae), Labcorp
Classification: Uncertain significance for Adenylosuccinate lyase deficiency. Last evaluated: 2023-07-07. Review status: criteria provided, single submitter. Criteria: Invitae Variant Classification Sherloc (09022015). Collection method: clinical testing. Allele origin: germline.
Comment: In summary, the available evidence is currently insufficient to determine the role of this variant in disease. Therefore, it has been classified as a Variant of Uncertain Significance. Experimental studies and prediction algorithms are not available or were not evaluated, and the functional significance of this variant is currently unknown. ClinVar contains an entry for this variant (Variation ID: 1391588). This variant has not been reported in the literature in individuals affected with ADSL-related conditions. The frequency data for this variant in the population databases is considered unreliable, as metrics indicate poor data quality at this position in the gnomAD database. This variant occurs in a non-coding region of the ADSL gene. It does not change the encoded amino acid sequence of the ADSL protein.

NM_000026.4(ADSL):c.-27C>A

Gene: ADSL (adenylosuccinate lyase; plus strand). Cytogenetic location: 22q13.1.
Variant type: single nucleotide variant.
Coding change: c.-27C>A on transcript NM_000026.4 (MANE Select); 27 bases upstream of the start codon, C replaced by A.
Molecular consequence: 5 prime UTR variant. On other transcripts: non-coding transcript variant (1).
Genome position (GRCh38, 1-based): chr22:40,346,532, C>A. VCF-style: chr22-40346532-C-A. GRCh37 (hg19) VCF-style: chr22-40742536-C-A.
Other names: c.-27C>A (NM_001123378.3, NM_001363840.3); c.-164C>A (NM_001317923.2).
Identifiers: ClinVar variation 1391588 (VCV001391588.6), dbSNP rs1294310669, ClinGen allele CA639408379.